The following is an entry in ClinVar:

ClinVar aggregate classification (germline): Uncertain significance. Review status: criteria provided, multiple submitters, no conflicts (2 of 4 stars). 4 submissions from 4 submitters: Uncertain significance (4). Last evaluated 2026-04-02.

Conditions:
Hypercholesterolemia, autosomal dominant, 3 (FHCL3). Also called: Familial Hypercholesterolemia, Autosomal Dominant, 3; Familial hypercholesterolemia 3; PCSK9-Related Familial Hypercholesterolemia, Autosomal Dominant. Identifiers: MedGen C1863551, MONDO:0011369, OMIM 603776.
Cardiovascular phenotype. Identifiers: MedGen CN230736.
Familial hypercholesterolemia. Also called: Familial hypercholesterolemias; Familial hypercholesterolaemia. Identifiers: MedGen C0020445, MONDO:0005439.

Allele frequency attached by ClinVar (database versions not stated): gnomAD exomes 0.00001; ExAC 0.00001.
gnomAD v4.1: 19 of 1,614,016 alleles (0.0012%); highest among the groups gnomAD compares: East Asian, 0.0045%; no homozygotes.

Submissions (4):

GeneDx
Classification: Uncertain significance. Last evaluated: 2026-04-02. Review status: criteria provided, single submitter. Criteria: GeneDx Variant Classification Process June 2021. Collection method: clinical testing. Allele origin: germline.
Comment: Not observed at significant frequency in large population cohorts (gnomAD); In silico analysis supports that this missense variant has a deleterious effect on protein structure/function; Has not been previously published as pathogenic or benign to our knowledge

Ambry Genetics
Classification: Uncertain significance for Cardiovascular phenotype. Last evaluated: 2024-06-15. Review status: criteria provided, single submitter. Criteria: Ambry Variant Classification Scheme 2023. Collection method: clinical testing. Allele origin: germline.
Comment: The p.G198S variant (also known as c.592G>A), located in coding exon 4 of the PCSK9 gene, results from a G to A substitution at nucleotide position 592. The glycine at codon 198 is replaced by serine, an amino acid with similar properties. This amino acid position is conserved. In addition, this alteration is predicted to be tolerated by in silico analysis. Based on the available evidence, the clinical significance of this variant remains unclear.

Color Diagnostics, LLC DBA Color Health
Classification: Uncertain significance for Familial hypercholesterolemia. Last evaluated: 2024-03-07. Review status: criteria provided, single submitter. Criteria: ACMG Guidelines, 2015. Collection method: clinical testing. Allele origin: germline.
Comment: This missense variant replaces glycine with serine at codon 198 of the PCSK9 protein. Computational prediction is inconclusive regarding the impact of this variant on protein structure and function (internally defined REVEL score threshold 0.5 < inconclusive < 0.7, PMID: 27666373). To our knowledge, functional studies have not been reported for this variant. This variant has not been reported in individuals affected with PCSK9-related disorders in the literature. This variant has been identified in 2/251338 chromosomes in the general population by the Genome Aggregation Database (gnomAD). The available evidence is insufficient to determine the role of this variant in disease conclusively. Therefore, this variant is classified as a Variant of Uncertain Significance.

All of Us Research Program, National Institutes of Health
Classification: Uncertain significance for Hypercholesterolemia, autosomal dominant, 3. Last evaluated: 2024-01-11. Review status: criteria provided, single submitter. Criteria: ACMG Guidelines, 2015. Collection method: clinical testing. Allele origin: germline. Inheritance: Autosomal dominant inheritance. Observed: 2 variant alleles, 2 heterozygotes.
Comment: Variant of Uncertain Significance due to insufficient evidence: This missense variant replaces glycine with serine at codon 198 of the PCSK9 protein. Computational prediction tools and conservation analyses are inconclusive regarding the impact of this variant on the protein function. Computational splicing tools suggest that this variant may not impact RNA splicing. To our knowledge, functional assays have not been performed for this variant nor has this variant been reported in individuals affected with familial hypercholesterolemia in the literature. This variant has been identified in 2/251338 chromosomes in the general population by the Genome Aggregation Database (gnomAD). Available evidence is insufficient to determine the role of this variant in disease conclusively.

This study involves interpretation of variants in research participants for the purpose of population health screening. Participant phenotype was not available at the time of variant classification. Additional details can be found in publication PMID: 35346344, PMCID: PMC8962531

NM_174936.4(PCSK9):c.592G>A (p.Gly198Ser)

Gene: PCSK9 (proprotein convertase subtilisin/kexin type 9; plus strand). Cytogenetic location: 1p32.3.
Variant type: single nucleotide variant.
Coding change: c.592G>A on transcript NM_174936.4 (MANE Select); coding-DNA position 592, G replaced by A.
Protein change: p.Gly198Ser; replaces glycine 198 with serine.
Molecular consequence: missense variant.
Genome position (GRCh38, 1-based): chr1:55,052,346, G>A. VCF-style: chr1-55052346-G-A. GRCh37 (hg19) VCF-style: chr1-55518019-G-A.
Other names: c.715G>A, p.Gly239Ser (NM_001407240.1); c.592G>A, p.Gly198Ser (NM_001407241.1, NM_001407242.1, NM_001407244.1 and 1 more transcripts); c.535G>A, p.Gly179Ser (NM_001407243.1); c.400G>A, p.Gly134Ser (NM_001407245.1); c.217G>A, p.Gly73Ser (NM_001407246.1); short protein forms G198S, G134S, G239S, G179S, G73S.
Identifiers: ClinVar variation 926973 (VCV000926973.9), dbSNP rs764087262, ClinGen allele CA043362.
Genomic context (GRCh38, chr1:55,052,346, plus strand): 5'-AGCCTGGTGGAGGTGTATCTCCTAGACACCAGCATACAGAGTGACCACCGGGAAATCGAG[G>A]GCAGGGTCATGGTCACCGACTTCGAGAATGTGCCCGAGGAGGACGGGACCCGCTTCCACA-3'
Protein context (NP_777596.2, residues 188-208): SIQSDHREIE[Gly198Ser]RVMVTDFENV